The following is an entry in ClinVar:

ClinVar aggregate classification (germline): Uncertain significance (1 of 4 stars; one submission).

Submission:

GeneDx
Classification: Uncertain significance. Last evaluated: 2026-07-13. Review status: criteria provided, single submitter. Criteria: GeneDx Variant Classification Process June 2021. Collection method: clinical testing. Allele origin: germline.
Comment: Not observed at significant frequency in large population cohorts (gnomAD); In silico analysis supports that this missense variant has a deleterious effect on protein structure/function; Has not been previously published as pathogenic or benign to our knowledge

NM_001037333.3(CYFIP2):c.824A>G (p.Asp275Gly)

Gene: CYFIP2 (cytoplasmic FMR1 interacting protein 2; plus strand). Cytogenetic location: 5q33.3.
Variant type: single nucleotide variant.
Coding change: c.824A>G on transcript NM_001037333.3 (MANE Select); coding-DNA position 824, A replaced by G.
Protein change: p.Asp275Gly; replaces aspartic acid 275 with glycine.
Molecular consequence: missense variant.
Genome position (GRCh38, 1-based): chr5:157,307,789, A>G. VCF-style: chr5-157307789-A-G. GRCh37 (hg19) VCF-style: chr5-156734797-A-G.
Other names: c.824A>G, p.Asp275Gly (NM_001291722.2, NM_014376.4); c.746A>G, p.Asp249Gly (NM_001291721.2); short protein forms D249G, D275G.
Identifiers: ClinVar variation 2663124 (VCV002663124.2), dbSNP rs2532337554, ClinGen allele CA361967481.
Genomic context (GRCh38, chr5:157,307,789, plus strand): 5'-AGTTTCTATGCTCTGCCCTCTTCTCATTCTAGGTGATGGGCTTTGGCCTCTACCTAATGG[A>G]TGGAAATGTCAGTAACATTTACAAACTGGATGCCAAGAAGAGAATTAATCTTAGCAAAAT-3'
Protein context (NP_001032410.1, residues 265-285): KVMGFGLYLM[Asp275Gly]GNVSNIYKLD